The following is an entry in ClinVar:

NM_001165963.4(SCN1A):c.659T>C (p.Val220Ala)

Gene: SCN1A (sodium voltage-gated channel alpha subunit 1; minus strand). Cytogenetic location: 2q24.3.
Variant type: single nucleotide variant.
Coding change: c.659T>C on transcript NM_001165963.4 (MANE Select); coding-DNA position 659, T replaced by C.
Protein change: p.Val220Ala; replaces valine 220 with alanine.
Molecular consequence: missense variant. On other transcripts: 5 prime UTR variant (1), non-coding transcript variant (1).
Genome position (GRCh38, 1-based): chr2:166,052,887, A>G on the plus strand (T>C on the coding strand, the complement: SCN1A is on the minus strand). VCF-style: chr2-166052887-A-G. GRCh37 (hg19) VCF-style: chr2-166909397-A-G.
Other names: c.659T>C, p.Val220Ala (NM_001165964.3, NM_001202435.3, NM_001353948.2 and 10 more transcripts); c.-1767T>C (NM_001353961.2); short protein forms V220A.
Identifiers: ClinVar variation 3781056 (VCV003781056.1).

ClinVar aggregate classification (germline): Likely pathogenic (1 of 4 stars; one submission).

Submission:

GeneDx
Classification: Likely pathogenic. Last evaluated: 2024-10-18. Review status: criteria provided, single submitter. Criteria: GeneDx Variant Classification Process June 2021. Collection method: clinical testing. Allele origin: germline. Affected: yes.
Comment: Not observed at significant frequency in large population cohorts (gnomAD); In silico analysis supports that this missense variant has a deleterious effect on protein structure/function; Has not been previously published as pathogenic or benign to our knowledge; This variant is associated with the following publications: (PMID: 36198807, 26544041)